The following is an entry in ClinVar:

ClinVar aggregate classification (germline): Conflicting classifications of pathogenicity. Review status: criteria provided, conflicting classifications (1 of 4 stars). 3 submissions from 3 submitters: Uncertain significance (1); Likely benign (1). 1 of the submissions does not count toward it. Last evaluated 2025-12-20.

Conditions:
Inborn genetic diseases. Identifiers: MedGen C0950123, MeSH D030342.
Retinitis pigmentosa 25 (RP25). Identifiers: Orphanet 791, MedGen C1864446, MONDO:0011272, OMIM 602772.

Allele frequency attached by ClinVar (database versions not stated): TOPMed 0.00006.
gnomAD v4.1: 16 of 1,610,530 alleles (0.00099%); highest among the groups gnomAD compares: African/African-American, 0.019%; no homozygotes.

Submissions (3):

Labcorp Genetics (formerly Invitae), Labcorp
Classification: Uncertain significance. Last evaluated: 2025-12-20. Review status: criteria provided, single submitter. Criteria: Invitae Variant Classification Sherloc (09022015). Collection method: clinical testing. Allele origin: germline.
Comment: This sequence change replaces proline, which is neutral and non-polar, with serine, which is neutral and polar, at codon 517 of the EYS protein (p.Pro517Ser). This variant is present in population databases (rs763331925, gnomAD 0.007%). This variant has not been reported in the literature in individuals affected with EYS-related conditions. ClinVar contains an entry for this variant (Variation ID: 1035061). Invitae Evidence Modeling of protein sequence and biophysical properties (such as structural, functional, and spatial information, amino acid conservation, physicochemical variation, residue mobility, and thermodynamic stability) indicates that this missense variant is not expected to disrupt EYS protein function with a negative predictive value of 80%. In summary, the available evidence is currently insufficient to determine the role of this variant in disease. Therefore, it has been classified as a Variant of Uncertain Significance.

Ambry Genetics
Classification: Likely benign for Inborn genetic diseases. Last evaluated: 2022-09-06. Review status: criteria provided, single submitter. Criteria: Ambry Variant Classification Scheme 2023. Collection method: clinical testing. Allele origin: germline.

Natera, Inc.
Classification: Uncertain significance for Retinitis pigmentosa type 25. Last evaluated: 2020-09-09. Review status: no assertion criteria provided. Collection method: clinical testing. Allele origin: germline. Not counted in ClinVar's aggregate classification.

NM_001142800.2(EYS):c.1549C>T (p.Pro517Ser)

Gene: EYS (EGF-like photoreceptor maintenance factor; minus strand). Cytogenetic location: 6q12.
Variant type: single nucleotide variant.
Coding change: c.1549C>T on transcript NM_001142800.2 (MANE Select); coding-DNA position 1549, C replaced by T.
Protein change: p.Pro517Ser; replaces proline 517 with serine.
Molecular consequence: missense variant.
Genome position (GRCh38, 1-based): chr6:65,344,088, G>A on the plus strand (C>T on the coding strand, the complement: EYS is on the minus strand). VCF-style: chr6-65344088-G-A. GRCh37 (hg19) VCF-style: chr6-66053981-G-A.
Other names: c.1549C>T, p.Pro517Ser (NM_001142801.2, NM_001292009.2, NM_198283.2); c.1549C>T (NM_001142800.1); short protein forms P517S.
Identifiers: ClinVar variation 1035061 (VCV001035061.7), dbSNP rs763331925, ClinGen allele CA3877702.